The following is an entry in ClinVar:

NM_199420.4(POLQ):c.7024T>G (p.Leu2342Val)

Gene: POLQ (DNA polymerase theta; minus strand). Cytogenetic location: 3q13.33.
Variant type: single nucleotide variant.
Coding change: c.7024T>G on transcript NM_199420.4 (MANE Select); coding-DNA position 7024, T replaced by G.
Protein change: p.Leu2342Val; replaces leucine 2342 with valine.
Molecular consequence: missense variant.
Genome position (GRCh38, 1-based): chr3:121,460,178, A>C on the plus strand (T>G on the coding strand, the complement: POLQ is on the minus strand). VCF-style: chr3-121460178-A-C. GRCh37 (hg19) VCF-style: chr3-121179025-A-C.
Other names: short protein forms L2342V.
Identifiers: ClinVar variation 1756740 (VCV001756740.2), dbSNP rs776938206, ClinGen allele CA354107537.

ClinVar aggregate classification (germline): Uncertain significance (1 of 4 stars; one submission).

Submission:

Ambry Genetics
Classification: Uncertain significance. Last evaluated: 2021-08-28. Review status: criteria provided, single submitter. Criteria: Ambry Variant Classification Scheme 2023. Collection method: clinical testing. Allele origin: germline.
Comment: The p.L2342V variant (also known as c.7024T>G), located in coding exon 25 of the POLQ gene, results from a T to G substitution at nucleotide position 7024. The leucine at codon 2342 is replaced by valine, an amino acid with highly similar properties. This amino acid position is conserved. In addition, the in silico prediction for this alteration is inconclusive. Since supporting evidence is limited at this time, the clinical significance of this alteration remains unclear.